The following is an entry in ClinVar:

ClinVar aggregate classification (germline): Uncertain significance. Review status: criteria provided, multiple submitters, no conflicts (2 of 4 stars). 2 submissions from 2 submitters: Uncertain significance (2). Last evaluated 2026-07-21.

Conditions:
Amelogenesis imperfecta type 1G (AI1G). Also called: AMELOGENESIS IMPERFECTA, TYPE IG; ENAMEL-RENAL-GINGIVAL SYNDROME; AMELOGENESIS IMPERFECTA, HYPOPLASTIC, WITH NEPHROCALCINOSIS; Amelogenesis imperfecta hypoplastic type, IG; Amelogenesis imperfecta and nephrocalcinosis; Amelogenesis imperfecta-gingival hyperplasia syndrome. Identifiers: Orphanet 1031, Orphanet 171836, MedGen C2931783, MONDO:0008771, OMIM 204690. Disease mechanism: loss of function.

Allele frequency attached by ClinVar (database versions not stated): TOPMed 0.00003; 1000 Genomes Project 30x 0.00031; ESP Exome Variant Server 0.00008; 1000 Genomes Project 0.00040.
gnomAD v4.1: 154 of 1,614,032 alleles (0.0095%); highest among the groups gnomAD compares: Non-Finnish European, 0.012%; no homozygotes.

Submissions (2):

GeneDx
Classification: Uncertain significance. Last evaluated: 2026-07-21. Review status: criteria provided, single submitter. Criteria: GeneDx Variant Classification Process June 2021. Collection method: clinical testing. Allele origin: germline.
Comment: In silico analysis supports that this missense variant has a deleterious effect on protein structure/function; This variant is associated with the following publications: (PMID: 26740946, 34426522, 26502894)

Fulgent Genetics
Classification: Uncertain significance for Amelogenesis imperfecta type 1G. Last evaluated: 2024-04-30. Review status: criteria provided, single submitter. Criteria: ACMG Guidelines, 2015. Collection method: clinical testing. Allele origin: germline.

NM_017565.4(FAM20A):c.1294G>A (p.Ala432Thr)

Genes: FAM20A (FAM20A golgi associated secretory pathway pseudokinase; minus strand), PRKAR1A (protein kinase cAMP-dependent type I regulatory subunit alpha; plus strand). Cytogenetic location: 17q24.2.
Variant type: single nucleotide variant.
Coding change: c.1294G>A on transcript NM_017565.4 (MANE Select); coding-DNA position 1294, G replaced by A.
Protein change: p.Ala432Thr; replaces alanine 432 with threonine.
Molecular consequence: missense variant. On other transcripts: non-coding transcript variant (1), intron variant (1).
Genome position (GRCh38, 1-based): chr17:68,539,892, C>T on the plus strand (G>A on the coding strand, the complement: FAM20A is on the minus strand). VCF-style: chr17-68539892-C-T. GRCh37 (hg19) VCF-style: chr17-66536033-C-T.
Other names: c.880G>A, p.Ala294Thr (NM_001243746.2); c.973+9891C>T (NM_001276290.1); short protein forms A432T, A294T.
Identifiers: ClinVar variation 426707 (VCV000426707.8), dbSNP rs200599944, ClinGen allele CA8729708.
Genomic context (GRCh38, chr17:68,539,892, plus strand): 5'-CAGAGCAGCACATCTGGGAGAGGGGATTGTTGAACACACGTGGGGAAGCTCACCCTCTGG[C>T]GTTGTCAAGGTGAATAAGGAACCCATCATCCCCGAACTTGGTGAACATCTCATAATGGTG-3'
Protein context (NP_060035.2, residues 422-442): DDGFLIHLDN[Ala432Thr]RGFGRHSHDE